The following is an entry in ClinVar:

ClinVar aggregate classification (germline): Uncertain significance (1 of 4 stars; one submission).

Conditions:
Developmental and epileptic encephalopathy, 11 (DEE11). Also called: Early infantile epileptic encephalopathy 11. Identifiers: Orphanet 1934, MedGen C3150987, MONDO:0013388, OMIM 613721.
Seizures, benign familial infantile, 3 (BFIS3). Also called: Familial neonatal seizures; CONVULSIONS, BENIGN FAMILIAL INFANTILE, 3. Identifiers: Orphanet 140927, Orphanet 306, MedGen C1843140, MONDO:0011904, OMIM 607745.

Allele frequency attached by ClinVar (database versions not stated): gnomAD exomes below 0.00001; TOPMed below 0.00001; ExAC 0.00001.
gnomAD v4.1: 6 of 1,614,072 alleles (0.00037%); highest among the groups gnomAD compares: Non-Finnish European, 0.00051%; no homozygotes.

Submission:

Labcorp Genetics (formerly Invitae), Labcorp
Classification: Uncertain significance for Seizures, benign familial infantile, 3; Developmental and epileptic encephalopathy, 11. Last evaluated: 2022-04-11. Review status: criteria provided, single submitter. Criteria: Invitae Variant Classification Sherloc (09022015). Collection method: clinical testing. Allele origin: germline.
Comment: Algorithms developed to predict the effect of missense changes on protein structure and function are either unavailable or do not agree on the potential impact of this missense change (SIFT: "Deleterious"; PolyPhen-2: "Benign"; Align-GVGD: "Class C0"). This missense change has been observed in individual(s) with SCN2A-related conditions (PMID: 30928199). In at least one individual the variant was observed to be de novo. This variant is present in population databases (rs773618513, gnomAD 0.0009%). This sequence change replaces isoleucine, which is neutral and non-polar, with valine, which is neutral and non-polar, at codon 1252 of the SCN2A protein (p.Ile1252Val). In summary, the available evidence is currently insufficient to determine the role of this variant in disease. Therefore, it has been classified as a Variant of Uncertain Significance.

Literature cited by the submitters: PubMed 30928199.

NM_001040142.2(SCN2A):c.3754A>G (p.Ile1252Val)

Gene: SCN2A (sodium voltage-gated channel alpha subunit 2; plus strand). Cytogenetic location: 2q24.3.
Variant type: single nucleotide variant.
Coding change: c.3754A>G on transcript NM_001040142.2 (MANE Select); coding-DNA position 3754, A replaced by G.
Protein change: p.Ile1252Val; replaces isoleucine 1252 with valine.
Molecular consequence: missense variant.
Genome position (GRCh38, 1-based): chr2:165,370,204, A>G. VCF-style: chr2-165370204-A-G. GRCh37 (hg19) VCF-style: chr2-166226714-A-G.
Other names: c.3754A>G, p.Ile1252Val (NM_001040143.2, NM_001371246.1, NM_001371247.1 and 1 more transcripts); short protein forms I1252V.
Identifiers: ClinVar variation 2169503 (VCV002169503.4), dbSNP rs773618513, ClinGen allele CA1940171.